The following is an entry in ClinVar:

NM_006371.5(CRTAP):c.527C>A (p.Pro176His)

Gene: CRTAP (cartilage associated protein; plus strand). Cytogenetic location: 3p22.3.
Variant type: single nucleotide variant.
Coding change: c.527C>A on transcript NM_006371.5 (MANE Select); coding-DNA position 527, C replaced by A.
Protein change: p.Pro176His; replaces proline 176 with histidine.
Molecular consequence: missense variant. On other transcripts: intron variant (1).
Genome position (GRCh38, 1-based): chr3:33,120,399, C>A. VCF-style: chr3-33120399-C-A. GRCh37 (hg19) VCF-style: chr3-33161891-C-A.
Other names: c.527C>A, p.Pro176His (NM_001393363.1, NM_001393364.1); c.472-4009C>A (NM_001393365.1); short protein forms P176H.
Identifiers: ClinVar variation 2011513 (VCV002011513.4), dbSNP rs771040863, ClinGen allele CA352009044.
Genomic context (GRCh38, chr3:33,120,399, plus strand): 5'-TTTAGGCAAATAATCTCCCCAAAGCCATCGCCGCTGCTCACACCTTTCTACTGAAGCATC[C>A]TGATGACGAAATGATGAAGAGGAACATGGCATATTATAAGAGCCTGCCTGGTGCCGAGGA-3'
Protein context (NP_006362.1, residues 166-186): AAAHTFLLKH[Pro176His]DDEMMKRNMA

ClinVar aggregate classification (germline): Uncertain significance (1 of 4 stars; one submission).

Conditions:
Osteogenesis imperfecta type 7 (OI7). Also called: OI type 7; OI type VII; OSTEOGENESIS IMPERFECTA, TYPE IIB; Osteogenesis imperfecta type 2B; OI type 2B; Osteogenesis imperfecta, perinatal lethal autosomal recessive. Identifiers: MedGen C1853162, MONDO:0012536, OMIM 610682.

gnomAD v4.1: 7 of 1,614,138 alleles (0.00043%); highest among the groups gnomAD compares: Non-Finnish European, 0.00059%; no homozygotes.

Submission:

Labcorp Genetics (formerly Invitae), Labcorp
Classification: Uncertain significance for Osteogenesis imperfecta type 7. Last evaluated: 2022-08-23. Review status: criteria provided, single submitter. Criteria: Invitae Variant Classification Sherloc (09022015). Collection method: clinical testing. Allele origin: germline.
Comment: This sequence change replaces proline, which is neutral and non-polar, with histidine, which is basic and polar, at codon 176 of the CRTAP protein (p.Pro176His). In summary, the available evidence is currently insufficient to determine the role of this variant in disease. Therefore, it has been classified as a Variant of Uncertain Significance. Algorithms developed to predict the effect of missense changes on protein structure and function are either unavailable or do not agree on the potential impact of this missense change (SIFT: "Deleterious"; PolyPhen-2: "Probably Damaging"; Align-GVGD: "Class C0"). This variant has not been reported in the literature in individuals affected with CRTAP-related conditions. This variant is not present in population databases (gnomAD no frequency).